The following is an entry in ClinVar:

NM_000297.4(PKD2):c.2522+1_2522+2del

Gene: PKD2 (polycystin 2, transient receptor potential cation channel; plus strand). Cytogenetic location: 4q22.1.
Variant type: Microsatellite.
Coding change: c.2522+1_2522+2del on transcript NM_000297.4 (MANE Select); the canonical splice donor site of the intron after coding-DNA position 2522, 2 bases deleted (GT; older notation c.2522+1_2522+2delGT).
Molecular consequence: splice donor variant.
Genome position (GRCh38, 1-based): chr4:88,068,062-88,068,063, GT deleted; deleting any 2 consecutive bases within chr4:88,068,060-88,068,063 gives the same sequence; the c. name uses the placement nearest the transcript's 3' end. VCF-style (leftmost placement, unchanged base first): chr4-88068059-AGT-A. GRCh37 (hg19) VCF-style: chr4-88989211-AGT-A.
Identifiers: ClinVar variation 975054 (VCV000975054.3), dbSNP rs1720863460, ClinGen allele CA1474589135.

ClinVar aggregate classification (germline): Pathogenic (1 of 4 stars; one submission).

Conditions:
Polycystic kidney disease 2 (PKD2). Also called: Polycystic Kidney Disease 2, Autosomal Dominant; POLYCYSTIC KIDNEY DISEASE, ADULT, TYPE II; POLYCYSTIC KIDNEY DISEASE 2 WITH OR WITHOUT POLYCYSTIC LIVER DISEASE. Identifiers: MedGen C2751306, MONDO:0013131, OMIM 613095.

Submission:

Victorian Clinical Genetics Services, Murdoch Childrens Research Institute
Classification: Pathogenic for Polycystic kidney disease 2. Last evaluated: 2018-07-03. Review status: criteria provided, single submitter. Criteria: ACMG Guidelines, 2015. Collection method: clinical testing. Allele origin: unknown. Affected: yes.
Comment: A heterozygous deletion variant, NM_000297.3(PKD2):c.2522+1_2522+2delGT, has been identified in intron 13 of the PKD2 gene. This deletion is predicted to create a frameshift starting at amino acid position 841, introducing a stop codon 19 amino acids downstream (NP_000288.1(PKD2):p.V841Pfs*19). The deleted nucleotides at this position have very high conservation (Phylop UCSC). They are located in the exon-intron junction of exon 13, but are not predicted to have any effect on splicing; further testing via RNA studies are required to confirm if splicing is altered. This variant is predicted to result in loss of protein function through nonsense-mediated decay, which is a reported mechanism of pathogenicity for this gene. The variant is absent in population databases (gnomAD, dbSNP, 1000G) and has not been previously reported in clinical cases. Based on the information available at the time of curation, this variant has been classified as PATHOGENIC.